The following is an entry in ClinVar:

NM_022726.4(ELOVL4):c.541+5G>A

Gene: ELOVL4 (ELOVL fatty acid elongase 4; minus strand). Cytogenetic location: 6q14.1.
Variant type: single nucleotide variant.
Coding change: c.541+5G>A on transcript NM_022726.4 (MANE Select); 5 bases into the intron after coding-DNA position 541, G replaced by A.
Molecular consequence: intron variant.
Genome position (GRCh38, 1-based): chr6:79,921,620, C>T on the plus strand (G>A on the coding strand, the complement: ELOVL4 is on the minus strand). VCF-style: chr6-79921620-C-T. GRCh37 (hg19) VCF-style: chr6-80631337-C-T.
Identifiers: ClinVar variation 2580357 (VCV002580357.5), dbSNP rs2532974649, ClinGen allele CA2578677066.

ClinVar aggregate classification (germline): Likely pathogenic. Review status: criteria provided, multiple submitters, no conflicts (2 of 4 stars). 2 submissions from 2 submitters: Likely pathogenic (2).

Conditions:
Spinocerebellar ataxia type 34 (SCA34). Identifiers: Orphanet 1955, MedGen C1851481, MONDO:0007574, OMIM 133190.
ELOVL4-related ataxia.

Submissions (2):

Juno Genomics, Hangzhou Juno Genomics, Inc
Classification: Likely pathogenic for Spinocerebellar ataxia type 34. Review status: criteria provided, single submitter. Criteria: ACMG Guidelines, 2015. Collection method: clinical testing. Allele origin: germline.
Comment: Absent from controls (or at extremely low frequency if recessive) in Genome Aggregation Database.;Null variant in a gene where loss of function (LOF) is a known mechanism of disease.;Patient's phenotype or family history is highly specific for a disease with a single genetic etiology.

Tetreault Lab, University of Montreal Hospital Research Centre (CRCHUM)
Classification: Likely pathogenic for ELOVL4-related ataxia. Review status: criteria provided, single submitter. Criteria: ACMG Guidelines, 2015. Collection method: research. Allele origin: germline. Affected: yes. Observed: 1 heterozygote. Functional consequence: sequence_variant_affecting_splicing.
Comment: This variant, not previously reported (gnomAD AF = 0), causes alternative splicing of ELOVL4, an enzyme that mediates biosynthesis of both very long chain unsaturated FA. Exon 4 splice donor loss was predicted in silico to cause exon 4 skipping, and validated by PCR and long-read sequencing to cause exon 4 and exon 4-5 skipping. Both alternative splicing skips induce a frameshift, resulting in significant enzyme structural changes and a likely loss-of-function. In silico predictions support loss-of-function of the allele (CADD = 19.4; Mutation Taster = 0.74). qPCR expression suggests mild decrease of mRNA levels and possible nonsense-mediated decay. Autosomal dominant loss-of-function of ELOVL4 is a well-defined cause of ataxia. For these reason, the variant is interpreted as likely pathogenic in the context of atypical ELOVL4-related ataxia (episodic phenotype).

Literature cited by the submitters: DOI 10.1016/j.jlr.2022.100317 (cited by Tetreault Lab, University of Montreal Hospital Research Centre (CRCHUM)).